The following is an entry in ClinVar:

NM_020911.2(PLXNA4):c.2694C>T (p.Gly898=)

Gene: PLXNA4 (plexin A4; minus strand). Cytogenetic location: 7q32.3.
Variant type: single nucleotide variant.
Coding change: c.2694C>T on transcript NM_020911.2 (MANE Select); coding-DNA position 2694, C replaced by T.
Protein change: p.Gly898=; no amino-acid change (glycine 898 retained).
Molecular consequence: synonymous variant.
Genome position (GRCh38, 1-based): chr7:132,198,529, G>A on the plus strand (C>T on the coding strand, the complement: PLXNA4 is on the minus strand). VCF-style: chr7-132198529-G-A. GRCh37 (hg19) VCF-style: chr7-131883288-G-A.
Other names: c.2694C>T, p.Gly898= (NM_001393897.1).
Identifiers: ClinVar variation 3349237 (VCV003349237.1).

ClinVar aggregate classification (germline): Likely benign (0 of 4 stars; one submission).

Conditions:
PLXNA4-related disorder. Also called: PLXNA4-related condition.

gnomAD v4.1: 138 of 1,614,212 alleles (0.0085%); highest among the groups gnomAD compares: Non-Finnish European, 0.01%; no homozygotes.

Submission:

PreventionGenetics, part of Exact Sciences
Classification: Likely benign for PLXNA4-related condition. Last evaluated: 2024-06-16. Review status: no assertion criteria provided. Collection method: clinical testing. Allele origin: germline.
Comment: This variant is classified as likely benign based on ACMG/AMP sequence variant interpretation guidelines (Richards et al. 2015 PMID: 25741868, with internal and published modifications).